The following is an entry in ClinVar:

NM_001378030.1(CCDC78):c.15dup (p.Thr6fs)

Gene: CCDC78 (coiled-coil domain containing 78; minus strand). Cytogenetic location: 16p13.3.
Variant type: Duplication.
Coding change: c.15dup on transcript NM_001378030.1 (MANE Select); coding-DNA position 15, one base duplicated (C; older notation c.15dupC).
Protein change: p.Thr6fs; shifts the reading frame from threonine 6.
Molecular consequence: frameshift variant. On other transcripts: non-coding transcript variant (3), intron variant (1).
Genome position (GRCh38, 1-based): chr16:726,353, G duplicated on the plus strand (C on the coding strand, the reverse complement: CCDC78 is on the minus strand); the first of 2 consecutive G bases (chr16:726,353-726,354); duplicating either gives the same sequence. VCF-style (leftmost placement, unchanged base first): chr16-726352-T-TG. GRCh37 (hg19) VCF-style: chr16-776352-T-TG.
Other names: c.15dup, p.Thr6fs (NM_001031737.3, NM_001378031.1); c.-225-268dup (NM_001378033.1); short protein forms T6fs.
Identifiers: ClinVar variation 1495950 (VCV001495950.29), dbSNP rs1389255956, ClinGen allele CA620198302.

ClinVar aggregate classification (germline): Uncertain significance. Review status: criteria provided, multiple submitters, no conflicts (2 of 4 stars). 2 submissions from 2 submitters: Uncertain significance (2). Last evaluated 2022-05-01.

Conditions:
Congenital myopathy with internal nuclei and atypical cores. Also called: Myopathy, centronuclear, 4. Identifiers: Orphanet 319160, MedGen C4707232, MONDO:0013890, OMIM 614807.

Submissions (2):

CeGaT Center for Human Genetics Tuebingen
Classification: Uncertain significance. Last evaluated: 2022-05-01. Review status: criteria provided, single submitter. Criteria: CeGaT Center For Human Genetics Tuebingen Variant Classification Criteria Version 2. Collection method: clinical testing. Allele origin: germline. Affected: yes. Observed: 1 variant allele.

Labcorp Genetics (formerly Invitae), Labcorp
Classification: Uncertain significance for Congenital myopathy with internal nuclei and atypical cores. Last evaluated: 2021-04-23. Review status: criteria provided, single submitter. Criteria: Invitae Variant Classification Sherloc (09022015). Collection method: clinical testing. Allele origin: germline.
Comment: In summary, the available evidence is currently insufficient to determine the role of this variant in disease. Therefore, it has been classified as a Variant of Uncertain Significance. This variant has not been reported in the literature in individuals with CCDC78-related conditions. This variant is not present in population databases (ExAC no frequency). This sequence change creates a premature translational stop signal (p.Thr6Hisfs*50) in the CCDC78 gene. It is expected to result in an absent or disrupted protein product. However, the current clinical and genetic evidence is not sufficient to establish whether loss-of-function variants in CCDC78 cause disease.